The following is an entry in ClinVar:

NM_001365902.3(NFIX):c.175G>A (p.Glu59Lys)

Gene: NFIX (nuclear factor I X; plus strand). Cytogenetic location: 19p13.13.
Variant type: single nucleotide variant.
Coding change: c.175G>A on transcript NM_001365902.3 (MANE Select); coding-DNA position 175, G replaced by A.
Protein change: p.Glu59Lys; replaces glutamic acid 59 with lysine.
Molecular consequence: missense variant.
Genome position (GRCh38, 1-based): chr19:13,025,168, G>A. VCF-style: chr19-13025168-G-A. GRCh37 (hg19) VCF-style: chr19-13135982-G-A.
Other names: c.199G>A, p.Glu67Lys (NM_001271043.2); c.151G>A, p.Glu51Lys (NM_001271044.3, NM_001378404.1); c.175G>A, p.Glu59Lys (NM_001365982.2, NM_002501.4); c.34G>A, p.Glu12Lys (NM_001365983.2); c.172G>A, p.Glu58Lys (NM_001365984.2, NM_001365985.2); c.223G>A, p.Glu75Lys (NM_001378405.1); short protein forms E12K, E51K, E58K, E59K, E67K, E75K.
Identifiers: ClinVar variation 1218479 (VCV001218479.5), dbSNP rs2145191691, ClinGen allele CA404313585.

ClinVar aggregate classification (germline): Likely pathogenic (1 of 4 stars; one submission).

Submission:

GeneDx
Classification: Likely pathogenic. Last evaluated: 2022-02-17. Review status: criteria provided, single submitter. Criteria: GeneDx Variant Classification Process June 2021. Collection method: clinical testing. Allele origin: germline. Affected: yes.
Comment: Not observed at significant frequency in large population cohorts (gnomAD); In silico analysis, which includes protein predictors and evolutionary conservation, supports a deleterious effect; Has not been previously published as pathogenic or benign to our knowledge